The following is an entry in ClinVar:

ClinVar aggregate classification (germline): Uncertain significance. Review status: criteria provided, multiple submitters, no conflicts (2 of 4 stars). 2 submissions from 2 submitters: Uncertain significance (2). Last evaluated 2024-11-10.

Allele frequency attached by ClinVar (database versions not stated): TOPMed 0.00027; ExAC 0.00030; gnomAD 0.00032; gnomAD exomes 0.00052.
gnomAD v4.1: 801 of 1,597,604 alleles (0.05%); highest among the groups gnomAD compares: Non-Finnish European, 0.058%; 1 homozygote.

Submissions (2):

Ambry Genetics
Classification: Uncertain significance. Last evaluated: 2024-11-10. Review status: criteria provided, single submitter. Criteria: Ambry Variant Classification Scheme 2023. Collection method: clinical testing. Allele origin: germline.

GeneDx
Classification: Uncertain significance. Last evaluated: 2024-02-08. Review status: criteria provided, single submitter. Criteria: GeneDx Variant Classification Process June 2021. Collection method: clinical testing. Allele origin: germline. Affected: yes.
Comment: In silico analysis supports that this missense variant has a deleterious effect on protein structure/function; Has not been previously published as pathogenic or benign to our knowledge

NM_015656.2(KIF26A):c.4348A>G (p.Lys1450Glu)

Gene: KIF26A (kinesin family member 26A; plus strand). Cytogenetic location: 14q32.33.
Variant type: single nucleotide variant.
Coding change: c.4348A>G on transcript NM_015656.2 (MANE Select); coding-DNA position 4348, A replaced by G.
Protein change: p.Lys1450Glu; replaces lysine 1450 with glutamic acid.
Molecular consequence: missense variant.
Genome position (GRCh38, 1-based): chr14:104,177,136, A>G. VCF-style: chr14-104177136-A-G. GRCh37 (hg19) VCF-style: chr14-104643473-A-G.
Other names: short protein forms K1450E.
Identifiers: ClinVar variation 2349885 (VCV002349885.4), dbSNP rs200100976, ClinGen allele CA7371250.